The following is an entry in ClinVar:

ClinVar aggregate classification (germline): Likely pathogenic (1 of 4 stars; one submission).

Submission:

Labcorp Genetics (formerly Invitae), Labcorp
Classification: Likely pathogenic. Last evaluated: 2023-01-14. Review status: criteria provided, single submitter. Criteria: Invitae Variant Classification Sherloc (09022015). Collection method: clinical testing. Allele origin: germline.
Comment: In summary, the currently available evidence indicates that the variant is pathogenic, but additional data are needed to prove that conclusively. Therefore, this variant has been classified as Likely Pathogenic. Algorithms developed to predict the effect of sequence changes on RNA splicing suggest that this variant may disrupt the consensus splice site. This variant has not been reported in the literature in individuals affected with GNPAT-related conditions. This variant is not present in population databases (gnomAD no frequency). This sequence change affects a donor splice site in intron 5 of the GNPAT gene. It is expected to disrupt RNA splicing. Variants that disrupt the donor or acceptor splice site typically lead to a loss of protein function (PMID: 16199547), and loss-of-function variants in GNPAT are known to be pathogenic (PMID: 9536089, 21990100).

Literature cited by the submitters: PubMed 16199547; PubMed 9536089; PubMed 21990100.

NM_014236.4(GNPAT):c.696+1G>A

Gene: GNPAT (glyceronephosphate O-acyltransferase; plus strand). Cytogenetic location: 1q42.2.
Variant type: single nucleotide variant.
Coding change: c.696+1G>A on transcript NM_014236.4 (MANE Select); the canonical splice donor site of the intron after coding-DNA position 696, G replaced by A.
Molecular consequence: splice donor variant.
Genome position (GRCh38, 1-based): chr1:231,265,421, G>A. VCF-style: chr1-231265421-G-A. GRCh37 (hg19) VCF-style: chr1-231401167-G-A.
Other names: c.513+1G>A (NM_001316350.2).
Identifiers: ClinVar variation 2828409 (VCV002828409.3), dbSNP rs2527022406, ClinGen allele CA345233500.
Genomic context (GRCh38, chr1:231,265,421, plus strand): 5'-TTTGGTGGCAATAAACTCTACTGGGCTGTATTCTCTGAATATGTAAAAACTATGTTACGG[G>A]TAAATGCAAATAATTCCCAACTACTCTTAAGCCATATTTTCTTCACTGATGTTTGCTCAT-3'